The following is an entry in ClinVar:

NM_003041.4(SLC5A2):c.1692G>A (p.Arg564=)

Genes: RUSF1 (RUS family member 1; minus strand), SLC5A2 (solute carrier family 5 member 2; plus strand). Cytogenetic location: 16p11.2.
Variant type: single nucleotide variant.
Coding change: c.1692G>A on transcript NM_003041.4 (MANE Select); coding-DNA position 1692, G replaced by A.
Protein change: p.Arg564=; no amino-acid change (arginine 564 retained).
Molecular consequence: synonymous variant. On other transcripts: 3 prime UTR variant (1), non-coding transcript variant (1).
Genome position (GRCh38, 1-based): chr16:31,490,130, G>A. VCF-style: chr16-31490130-G-A. GRCh37 (hg19) VCF-style: chr16-31501451-G-A.
Other names: c.*705C>T (NM_022744.4).
Identifiers: ClinVar variation 319071 (VCV000319071.24), dbSNP rs147697689, ClinGen allele CA8031295.
Genomic context (GRCh38, chr16:31,490,130, plus strand): 5'-ACTCCCACCTCGTTCGTGCTCCCACCCTCCCCAGCTCCACCGCCTGGTCTTCAGTCTCCG[G>A]CATAGCAAGGAGGAACGGGAGGACCTGGATGCTGATGAGCAGCAAGGCTCCTCACTCCCT-3'
Protein context (NP_003032.1, residues 554-574): KHLHRLVFSL[Arg564=]HSKEEREDLD

ClinVar aggregate classification (germline): Conflicting classifications of pathogenicity. Review status: criteria provided, conflicting classifications (1 of 4 stars). 2 submissions from 2 submitters: Uncertain significance (1); Likely benign (1). Last evaluated 2024-05-01.

Conditions:
Familial renal glucosuria (GLYS). Also called: RENAL GLUCOSURIA, AUTOSOMAL DOMINANT; Familial renal glycosuria. Identifiers: Orphanet 69076, MedGen C3245525, MONDO:0009297, OMIM 233100.

Allele frequency attached by ClinVar (database versions not stated): 1000 Genomes Project 0.00020; 1000 Genomes Project 30x 0.00031; gnomAD 0.00062 and 0.00063; TOPMed 0.00065; gnomAD exomes 0.00074; ExAC 0.00093; ESP Exome Variant Server 0.00115.
gnomAD v4.1: 1,451 of 1,614,076 alleles (0.09%); highest among the groups gnomAD compares: Non-Finnish European, 0.11%; 1 homozygote.

Submissions (2):

CeGaT Center for Human Genetics Tuebingen
Classification: Likely benign. Last evaluated: 2024-05-01. Review status: criteria provided, single submitter. Criteria: CeGaT Center For Human Genetics Tuebingen Variant Classification Criteria Version 2. Collection method: clinical testing. Allele origin: germline. Affected: yes. Observed: 1 variant allele.
Comment: SLC5A2: BP4, BP7

Illumina Laboratory Services, Illumina
Classification: Uncertain significance for Familial renal glucosuria. Last evaluated: 2018-01-13. Review status: criteria provided, single submitter. Criteria: ICSL Variant Classification Criteria 13 December 2019. Collection method: clinical testing. Allele origin: germline.